The following is an entry in ClinVar:

ClinVar aggregate classification (germline): Uncertain significance (1 of 4 stars; one submission).

Conditions:
Giant axonal neuropathy 1 (GAN1). Also called: GIANT AXONAL NEUROPATHY 1, AUTOSOMAL RECESSIVE; GAN-Related Neurodegeneration. Identifiers: Orphanet 643, MedGen C1850386, MONDO:0009749, OMIM 256850.

Submission:

Baylor Genetics
Classification: Uncertain significance for Giant axonal neuropathy 1. Last evaluated: 2019-10-31. Review status: criteria provided, single submitter. Criteria: ACMG Guidelines, 2015. Collection method: clinical testing. Allele origin: unknown. Affected: yes.
Comment: This variant was determined to be of uncertain significance according to ACMG Guidelines, 2015 [PMID:25741868].

NM_022041.4(GAN):c.275G>T (p.Ser92Ile)

Gene: GAN (gigaxonin; plus strand). Cytogenetic location: 16q23.2.
Variant type: single nucleotide variant.
Coding change: c.275G>T on transcript NM_022041.4 (MANE Select); coding-DNA position 275, G replaced by T.
Protein change: p.Ser92Ile; replaces serine 92 with isoleucine.
Molecular consequence: missense variant. On other transcripts: intron variant (1).
Genome position (GRCh38, 1-based): chr16:81,351,690, G>T. VCF-style: chr16-81351690-G-T. GRCh37 (hg19) VCF-style: chr16-81385295-G-T.
Other names: c.-357-2715G>T (NM_001377486.1); short protein forms S92I.
Identifiers: ClinVar variation 1028744 (VCV001028744.1), dbSNP rs1910305133, ClinGen allele CA396866097.